The following is an entry in ClinVar:

NM_018139.3(DNAAF2):c.700C>T (p.Pro234Ser)

Gene: DNAAF2 (dynein axonemal assembly factor 2; minus strand). Cytogenetic location: 14q21.3.
Variant type: single nucleotide variant.
Coding change: c.700C>T on transcript NM_018139.3 (MANE Select); coding-DNA position 700, C replaced by T.
Protein change: p.Pro234Ser; replaces proline 234 with serine.
Molecular consequence: missense variant.
Genome position (GRCh38, 1-based): chr14:49,634,450, G>A on the plus strand (C>T on the coding strand, the complement: DNAAF2 is on the minus strand). VCF-style: chr14-49634450-G-A. GRCh37 (hg19) VCF-style: chr14-50101168-G-A.
Other names: c.700C>T, p.Pro234Ser (NM_001083908.2); short protein forms P234S.
Identifiers: ClinVar variation 313284 (VCV000313284.11), dbSNP rs776126134, ClinGen allele CA7173046.
Genomic context (GRCh38, chr14:49,634,450, plus strand): 5'-GAGGCTCGGTGGGGGCGGGCTGCAAGGCCGCTTCCGGAGGGGAGGGCGCCCGGGGCCCGG[G>A]GGCTGCCGGGTACTGGTAAGGGTAGGGGAAGTCCGGGAGAGGACCCTTCGGCTCCCCGTC-3'
Protein context (NP_060609.2, residues 224-244): FPYPYQYPAA[Pro234Ser]GPRAPSPPEA

ClinVar aggregate classification (germline): Uncertain significance. Review status: criteria provided, multiple submitters, no conflicts (2 of 4 stars). 2 submissions from 2 submitters: Uncertain significance (2). Last evaluated 2022-08-19.

Conditions:
Primary ciliary dyskinesia 10. Also called: CILIARY DYSKINESIA, PRIMARY, 10, WITH OR WITHOUT SITUS INVERSUS. Identifiers: Orphanet 244, MedGen C2675867, MONDO:0012918, OMIM 612518.
Primary ciliary dyskinesia. Also called: Ciliary dyskinesia. Identifiers: Orphanet 244, MedGen C0008780, MONDO:0016575, HP:0012265.

Allele frequency attached by ClinVar (database versions not stated): gnomAD exomes 0.00001; ExAC 0.00004; 1000 Genomes Project 30x 0.00016; gnomAD 0.00020 and 0.00023; TOPMed 0.00034.
gnomAD v4.1: 52 of 1,558,820 alleles (0.0033%); highest among the groups gnomAD compares: African/African-American, 0.049%; no homozygotes.

Submissions (2):

Labcorp Genetics (formerly Invitae), Labcorp
Classification: Uncertain significance for Primary ciliary dyskinesia. Last evaluated: 2022-08-19. Review status: criteria provided, single submitter. Criteria: Invitae Variant Classification Sherloc (09022015). Collection method: clinical testing. Allele origin: germline.
Comment: This sequence change replaces proline, which is neutral and non-polar, with serine, which is neutral and polar, at codon 234 of the DNAAF2 protein (p.Pro234Ser). This variant is present in population databases (rs776126134, gnomAD 0.02%). This variant has not been reported in the literature in individuals affected with DNAAF2-related conditions. ClinVar contains an entry for this variant (Variation ID: 313284). Algorithms developed to predict the effect of missense changes on protein structure and function output the following: SIFT: "Tolerated"; PolyPhen-2: "Benign"; Align-GVGD: "Class C0". The serine amino acid residue is found in multiple mammalian species, which suggests that this missense change does not adversely affect protein function. In summary, the available evidence is currently insufficient to determine the role of this variant in disease. Therefore, it has been classified as a Variant of Uncertain Significance.

Illumina Laboratory Services, Illumina
Classification: Uncertain significance for Primary ciliary dyskinesia 10. Last evaluated: 2018-01-13. Review status: criteria provided, single submitter. Criteria: ICSL Variant Classification Criteria 13 December 2019. Collection method: clinical testing. Allele origin: germline.